The following continues an entry in ClinVar:

NM_007294.4(BRCA1):c.535T>C (p.Tyr179His)

Gene: BRCA1. ClinVar aggregate classification (germline): Uncertain significance. Uncertain significance (9).

Submissions 8 to 11 of 11:

Color Diagnostics, LLC DBA Color Health
Classification: Uncertain significance for Hereditary cancer-predisposing syndrome. Last evaluated: 2023-08-02. Review status: criteria provided, single submitter. Criteria: ACMG Guidelines, 2015. Collection method: clinical testing. Allele origin: germline.
Comment: This missense variant replaces tyrosine with histidine at codon 179 of the BRCA1 protein. Computational prediction is inconclusive regarding the impact of this variant on protein structure and function (internally defined REVEL score threshold 0.5 < inconclusive < 0.7, PMID: 27666373). To our knowledge, functional studies have not been reported for this variant. This variant has been reported in a breast cancer case-control meta-analysis in 1/53461 unaffected individuals and absent in 60466 cases (PMID: 33471991; Leiden Open Variation Database DB-ID BRCA1_006563) and among individuals who underwent BRCA1 mutation screening (PMID: 16267036). This variant also has been reported to have a tumor pathology likelihood ratio for pathogenicity of 0.2938 (PMID: 31131967). This variant has been identified in 2/251454 chromosomes in the general population by the Genome Aggregation Database (gnomAD). The available evidence is insufficient to determine the role of this variant in disease conclusively. Therefore, this variant is classified as a Variant of Uncertain Significance.

Sema4
Classification: Uncertain significance for Hereditary cancer-predisposing syndrome. Last evaluated: 2022-03-11. Review status: criteria provided, single submitter. Criteria: Sema4 Curation Guidelines. Collection method: curation. Allele origin: germline.
Comment: The BRCA1 c.535T>C (p.Y179H) variant has been reported in individuals with breast cancer and in a high-risk individual undergoing genetic testing (PMID: 30613976, 16267036). It was observed in 2/113734 chromosomes of the Non-Finnish European subpopulation in the large and broad cohorts of the Genome Aggregation Database (PMID: 32461654). The variant has been reported in ClinVar (Variation ID 141458). Functional studies have not been performed, and in silico predictions of the variant's effect on protein function are inconclusive. The evidence is insufficient to meet ACMG/AMP criteria for classifying the variant as benign or pathogenic. Thus, the clinical significance of this variant is currently uncertain.

Department of Medical and Surgical Sciences, University of Bologna
Classification: Benign for Breast-ovarian cancer, familial, susceptibility to, 1. Last evaluated: 2023-09-01. Review status: no assertion criteria provided. Collection method: clinical testing. Allele origin: germline. Affected: yes. Not counted in ClinVar's aggregate classification.
Comment: BP1(Strong)+BP5(Strong) according to ACMG/AMP classification guidelines specified for BRCA1 & BRCA2 (Classification Criteria V1.0.0 2023-09-08) (PMID: 38160042)

Department of Pathology and Laboratory Medicine, Sinai Health System
Classification: Uncertain significance for Malignant tumor of breast. Review status: no assertion criteria provided. Collection method: clinical testing. Allele origin: unknown. Affected: yes. Observed: 2 variant alleles. Study: The Canadian Open Genetics Repository (COGR). Not counted in ClinVar's aggregate classification.
Comment: The BRCA1 p.Tyr179His variant was not identified in the literature, nor was it identified in the HGMD, UMD, COSMIC, BIC or LOVD databases. The UMD database identified another variant at this amino acid position (p.Tyr179Cys (c.536A>G)) that was observed in 4 (of 29) individuals as co-occurring with a second pathogenic variant in BRCA1 or BRCA2, increasing the likelihood that an alteration to this residue may not have clinical significance. The p.Tyr179 residue is conserved in mammals but not in all lower organisms and computational analyses (PolyPhen-2, SIFT, AlignGVGD) suggest that the p.Tyr179His variant may impact the protein; however, this information is not very predictive of pathogenicity. In summary, based on the above information, the clinical significance of this variant cannot be determined at this time. This variant is classified as a variant of unknown significance.

Literature cited by the submitters: PubMed 16267036 (cited by 6 submitters); PubMed 30613976 (cited by 5 submitters); PubMed 35753294 (cited by Women's Health and Genetics/Laboratory Corporation of America, LabCorp); PubMed 38652475 (cited by Women's Health and Genetics/Laboratory Corporation of America, LabCorp); PubMed 37415649 (cited by Ambry Genetics); PubMed 33471991 (cited by 3 submitters); PubMed 31131967 (cited by 3 submitters); PubMed 26295337 (cited by Quest Diagnostics Nichols Institute San Juan Capistrano).